The following is an entry in ClinVar:

NM_030912.3(TRIM8):c.1198T>G (p.Tyr400Asp)

Gene: TRIM8 (tripartite motif containing 8; plus strand). Cytogenetic location: 10q24.32.
Variant type: single nucleotide variant.
Coding change: c.1198T>G on transcript NM_030912.3 (MANE Select); coding-DNA position 1198, T replaced by G.
Protein change: p.Tyr400Asp; replaces tyrosine 400 with aspartic acid.
Molecular consequence: missense variant. On other transcripts: non-coding transcript variant (1).
Genome position (GRCh38, 1-based): chr10:102,656,896, T>G. VCF-style: chr10-102656896-T-G. GRCh37 (hg19) VCF-style: chr10-104416653-T-G.
Other names: c.1102T>G, p.Tyr368Asp (NM_001345950.1); short protein forms Y368D, Y400D.
Identifiers: ClinVar variation 3780996 (VCV003780996.1).

ClinVar aggregate classification (germline): Uncertain significance (1 of 4 stars; one submission).

gnomAD v4.1: 3 of 1,593,726 alleles (0.00019%); no homozygotes.

Submission:

GeneDx
Classification: Uncertain significance. Last evaluated: 2024-10-16. Review status: criteria provided, single submitter. Criteria: GeneDx Variant Classification Process June 2021. Collection method: clinical testing. Allele origin: germline. Affected: yes.
Comment: Not observed at significant frequency in large population cohorts (gnomAD); In silico analysis indicates that this missense variant does not alter protein structure/function; Has not been previously published as pathogenic or benign to our knowledge